The following is an entry in ClinVar:

ClinVar aggregate classification (germline): Pathogenic (1 of 4 stars; one submission).

Conditions:
Neurofibromatosis, type 1 (NF1). Also called: Neurofibromatosis, type I; VON RECKLINGHAUSEN DISEASE; NEUROFIBROMATOSIS, TYPE I, SOMATIC; Peripheral type neurofibromatosis. Identifiers: Orphanet 636, MedGen C0027831, MONDO:0018975, OMIM 162200. Disease mechanism: loss of function.

Submission:

Labcorp Genetics (formerly Invitae), Labcorp
Classification: Pathogenic for Neurofibromatosis, type 1. Last evaluated: 2021-02-24. Review status: criteria provided, single submitter. Criteria: Invitae Variant Classification Sherloc (09022015). Collection method: clinical testing. Allele origin: germline.
Comment: For these reasons, this variant has been classified as Pathogenic. This variant disrupts the p.Leu532 amino acid residue in NF1. Other variant(s) that disrupt this residue have been determined to be pathogenic (PMID: 15060124, Invitae). This suggests that this residue is clinically significant, and that variants that disrupt this residue are likely to be disease-causing. This variant has been observed in individual(s) with clinical features of neurofibromatosis type 1 (Invitae). This variant is a gross deletion of the genomic region encompassing exon(s) 14-30 of the NF1 gene. This variant would be expected to be in-frame, preserving the integrity of the reading frame.

Literature cited by the submitters: PubMed 15060124.

NC_000017.10:g.(?_29546003)_(29576157_?)del

Gene: NF1 (neurofibromin 1; plus strand). Cytogenetic location: 17q11.2.
Variant type: Deletion.
Identifiers: ClinVar variation 1454784 (VCV001454784.6).